The following is an entry in ClinVar:

NM_152564.5(VPS13B):c.*655G>C

Gene: VPS13B (vacuolar protein sorting 13 homolog B; plus strand). Cytogenetic location: 8q22.2.
Variant type: single nucleotide variant.
Coding change: c.*655G>C on transcript NM_152564.5 (MANE Select); 655 bases downstream of the stop codon, G replaced by C.
Molecular consequence: 3 prime UTR variant.
Genome position (GRCh38, 1-based): chr8:99,876,321, G>C. VCF-style: chr8-99876321-G-C. GRCh37 (hg19) VCF-style: chr8-100888549-G-C.
Other names: c.*655G>C (NM_017890.5).
Identifiers: ClinVar variation 910534 (VCV000910534.4), dbSNP rs78305289, ClinGen allele CA182336145.
Genomic context (GRCh38, chr8:99,876,321, plus strand): 5'-CTTTGTGGCTTGTTACATTTGTCATTTAACTGCAGTGCTATTCTTTGAAAGCTGCTATGT[G>C]TATTTTCTCTGAAGTCTGCATTTTACTAAAATTTACAACAGTCTGATGATTGATTGATTA-3'

ClinVar aggregate classification (germline): Benign (1 of 4 stars; one submission).

Conditions:
Cohen syndrome (COH1). Also called: PEPPER SYNDROME; Cutis verticis gyrata, retinitis pigmentosa, and sensorineural deafness. Identifiers: Orphanet 193, MedGen C0265223, MONDO:0008999, OMIM 216550.

Allele frequency attached by ClinVar (database versions not stated): gnomAD 0.00306 and 0.00328; TOPMed 0.00339; 1000 Genomes Project 0.00419; 1000 Genomes Project 30x 0.00468.

Submission:

Illumina Laboratory Services, Illumina
Classification: Benign for Cohen syndrome. Last evaluated: 2018-01-13. Review status: criteria provided, single submitter. Criteria: ICSL Variant Classification Criteria 13 December 2019. Collection method: clinical testing. Allele origin: germline.
Comment: This variant was observed in the ICSL laboratory as part of a predisposition screen in an ostensibly healthy population. It had not been previously curated by ICSL or reported in the Human Gene Mutation Database (HGMD: prior to June 1st, 2018), and was therefore a candidate for classification through an automated scoring system. Utilizing variant allele frequency, disease prevalence and penetrance estimates, and inheritance mode, an automated score was calculated to assess if this variant is too frequent to cause the disease. Based on the score and internal cut-off values, a variant classified as benign is not then subjected to further curation. The score for this variant resulted in a classification of benign for this disease.